The following is an entry in ClinVar:

NM_178859.4(SLC51B):c.277del (p.Arg93fs)

Genes: RASL12 (RAS like family 12; minus strand), SLC51B (SLC51 subunit beta; plus strand). Cytogenetic location: 15q22.31.
Variant type: Deletion.
Coding change: c.277del on transcript NM_178859.4 (MANE Select); coding-DNA position 277, one base deleted (A; older notation c.277delA).
Protein change: p.Arg93fs; shifts the reading frame from arginine 93.
Molecular consequence: frameshift variant.
Genome position (GRCh38, 1-based): chr15:65,053,054, A deleted; the last of 2 consecutive A bases (chr15:65,053,053-65,053,054); deleting either gives the same sequence. VCF-style (leftmost placement, unchanged base first): chr15-65053052-TA-T. GRCh37 (hg19) VCF-style: chr15-65345390-TA-T.
Other names: c.277delA (NM_178859.3); short protein forms R93fs.
Identifiers: ClinVar variation 2871129 (VCV002871129.4), dbSNP rs776892359, ClinGen allele CA7613518.

ClinVar aggregate classification (germline): Uncertain significance. Review status: criteria provided, single submitter (1 of 4 stars). 2 submissions from 2 submitters: Uncertain significance (1). 1 of the submissions does not count toward it. Last evaluated 2025-12-30.

Conditions:
SLC51B-related disorder. Also called: SLC51B-related condition.

Submissions (2):

Labcorp Genetics (formerly Invitae), Labcorp
Classification: Uncertain significance. Last evaluated: 2025-12-30. Review status: criteria provided, single submitter. Criteria: Invitae Variant Classification Sherloc (09022015). Collection method: clinical testing. Allele origin: germline.
Comment: This sequence change creates a premature translational stop signal (p.Arg93Glufs*18) in the SLC51B gene. While this is not anticipated to result in nonsense mediated decay, it is expected to disrupt the last 36 amino acid(s) of the SLC51B protein. This variant is present in population databases (rs776892359, gnomAD 0.02%). This variant has not been reported in the literature in individuals affected with SLC51B-related conditions. ClinVar contains an entry for this variant (Variation ID: 2871129). Experimental studies and prediction algorithms are not available or were not evaluated, and the functional significance of this variant is currently unknown. In summary, the available evidence is currently insufficient to determine the role of this variant in disease. Therefore, it has been classified as a Variant of Uncertain Significance.

PreventionGenetics, part of Exact Sciences
Classification: Uncertain significance for SLC51B-related condition. Last evaluated: 2024-03-08. Review status: no assertion criteria provided. Collection method: clinical testing. Allele origin: germline. Not counted in ClinVar's aggregate classification.
Comment: The SLC51B c.277delA variant is predicted to result in a frameshift and premature protein termination (p.Arg93Glufs*18). To our knowledge, this variant has not been reported in the literature. This variant is reported in 0.020% of alleles in individuals of Latino descent in gnomAD. Loss-of-function has not been established as a disease mechanism for this gene, and therefore the clinical significance of this variant is currently uncertain due to the absence of conclusive functional and genetic evidence.